The following is an entry in ClinVar:

ClinVar aggregate classification (germline): Uncertain significance. Review status: criteria provided, multiple submitters, no conflicts (2 of 4 stars). 2 submissions from 2 submitters: Uncertain significance (2). Last evaluated 2023-07-27.

Conditions:
Hereditary cancer-predisposing syndrome. Also called: Neoplastic Syndromes, Hereditary; Hereditary neoplastic syndrome; Tumor predisposition; Hereditary Cancer Syndrome. Identifiers: Orphanet 140162, MedGen C0027672, MeSH D009386, MONDO:0015356.
Ataxia-telangiectasia syndrome (AT). Also called: Ataxia telangiectasia (A-T); Cerebello-oculocutaneous telangiectasia; Immunodeficiency with ataxia telangiectasia; LOUIS-BAR SYNDROME; AT, COMPLEMENTATION GROUP C; ATAXIA-TELANGIECTASIA, FRESNO VARIANT. Identifiers: Orphanet 100, MedGen C0004135, MONDO:0008840, OMIM 208900.

gnomAD v4.1: 1 of 1,610,878 alleles (0.000062%); highest among the groups gnomAD compares: African/African-American, 0.0013%; no homozygotes.

Submissions (2):

Ambry Genetics
Classification: Uncertain significance for Hereditary cancer-predisposing syndrome. Last evaluated: 2023-07-27. Review status: criteria provided, single submitter. Criteria: Ambry Variant Classification Scheme 2023. Collection method: clinical testing. Allele origin: germline.
Comment: The p.P2029L variant (also known as c.6086C>T), located in coding exon 40 of the ATM gene, results from a C to T substitution at nucleotide position 6086. The proline at codon 2029 is replaced by leucine, an amino acid with similar properties. This amino acid position is highly conserved in available vertebrate species. In addition, the in silico prediction for this alteration is inconclusive. Since supporting evidence is limited at this time, the clinical significance of this alteration remains unclear.

Labcorp Genetics (formerly Invitae), Labcorp
Classification: Uncertain significance for Ataxia-telangiectasia syndrome. Last evaluated: 2022-03-09. Review status: criteria provided, single submitter. Criteria: Invitae Variant Classification Sherloc (09022015). Collection method: clinical testing. Allele origin: germline.
Comment: This sequence change replaces proline, which is neutral and non-polar, with leucine, which is neutral and non-polar, at codon 2029 of the ATM protein (p.Pro2029Leu). This variant is not present in population databases (gnomAD no frequency). This variant has not been reported in the literature in individuals affected with ATM-related conditions. ClinVar contains an entry for this variant (Variation ID: 216223). Advanced modeling of protein sequence and biophysical properties (such as structural, functional, and spatial information, amino acid conservation, physicochemical variation, residue mobility, and thermodynamic stability) performed at Invitae indicates that this missense variant is not expected to disrupt ATM protein function. In summary, the available evidence is currently insufficient to determine the role of this variant in disease. Therefore, it has been classified as a Variant of Uncertain Significance.

NM_000051.4(ATM):c.6086C>T (p.Pro2029Leu)

Genes: ATM (ATM serine/threonine kinase; plus strand), C11orf65 (chromosome 11 open reading frame 65; minus strand). Cytogenetic location: 11q22.3.
Variant type: single nucleotide variant.
Coding change: c.6086C>T on transcript NM_000051.4 (MANE Select); coding-DNA position 6086, C replaced by T.
Protein change: p.Pro2029Leu; replaces proline 2029 with leucine.
Molecular consequence: missense variant. On other transcripts: intron variant (2).
Genome position (GRCh38, 1-based): chr11:108,315,902, C>T. VCF-style: chr11-108315902-C-T. GRCh37 (hg19) VCF-style: chr11-108186629-C-T.
Other names: c.6086C>T, p.Pro2029Leu (NM_001351834.2); c.641-6831G>A (NM_001330368.2); c.*39-6831G>A (NM_001351110.2); short protein forms P2029L.
Identifiers: ClinVar variation 216223 (VCV000216223.8), dbSNP rs863224575, ClinGen allele CA336034.